The following is an entry in ClinVar:

ClinVar aggregate classification (germline): Uncertain significance (1 of 4 stars; one submission).

Allele frequency attached by ClinVar (database versions not stated): ExAC 0.00001.
gnomAD v4.1: 2 of 1,614,086 alleles (0.00012%); highest among the groups gnomAD compares: South Asian, 0.0022%; no homozygotes.

Submission:

CeGaT Center for Human Genetics Tuebingen
Classification: Uncertain significance. Last evaluated: 2023-01-01. Review status: criteria provided, single submitter. Criteria: CeGaT Center For Human Genetics Tuebingen Variant Classification Criteria Version 2. Collection method: clinical testing. Allele origin: germline. Affected: yes. Observed: 1 variant allele.
Comment: AGL: PM2

NM_000642.3(AGL):c.422A>G (p.Asp141Gly)

Gene: AGL (amylo-alpha-1,6-glucosidase and 4-alpha-glucanotransferase; plus strand). Cytogenetic location: 1p21.2.
Variant type: single nucleotide variant.
Coding change: c.422A>G on transcript NM_000642.3 (MANE Select); coding-DNA position 422, A replaced by G.
Protein change: p.Asp141Gly; replaces aspartic acid 141 with glycine.
Molecular consequence: missense variant.
Genome position (GRCh38, 1-based): chr1:99,862,385, A>G. VCF-style: chr1-99862385-A-G. GRCh37 (hg19) VCF-style: chr1-100327941-A-G.
Other names: c.422A>G, p.Asp141Gly (NM_000028.3, NM_000643.3, NM_000644.3 and 5 more transcripts); c.374A>G, p.Asp125Gly (NM_000646.3); short protein forms D125G, D141G.
Identifiers: ClinVar variation 2498409 (VCV002498409.28), dbSNP rs770983400, ClinGen allele CA966159.